The following is an entry in ClinVar:

ClinVar aggregate classification (germline): Benign. Review status: criteria provided, single submitter (1 of 4 stars). 2 submissions from 2 submitters: Benign (1). 1 of the submissions does not count toward it. Last evaluated 2023-10-05.

Conditions:
BNC2-related disorder. Also called: BNC2-related condition.

Allele frequency attached by ClinVar (database versions not stated): gnomAD 0.00019; ExAC 0.00028; 1000 Genomes Project 0.00100; gnomAD exomes 0.00009; TOPMed 0.00025; 1000 Genomes Project 30x 0.00078.
gnomAD v4.1: 157 of 1,614,028 alleles (0.0097%); highest among the groups gnomAD compares: East Asian, 0.27%; no homozygotes.

Submissions (2):

Labcorp Genetics (formerly Invitae), Labcorp
Classification: Benign. Last evaluated: 2023-10-05. Review status: criteria provided, single submitter. Criteria: Invitae Variant Classification Sherloc (09022015). Collection method: clinical testing. Allele origin: germline.

PreventionGenetics, part of Exact Sciences
Classification: Likely benign for BNC2-related condition. Last evaluated: 2019-09-12. Review status: no assertion criteria provided. Collection method: clinical testing. Allele origin: germline. Not counted in ClinVar's aggregate classification.
Comment: This variant is classified as likely benign based on ACMG/AMP sequence variant interpretation guidelines (Richards et al. 2015 PMID: 25741868, with internal and published modifications).

NM_017637.6(BNC2):c.2124C>T (p.Ala708=)

Genes: BNC2 (basonuclin zinc finger protein 2; minus strand), LOC126860585 (MED14-independent group 3 enhancer GRCh37_chr9:16435259-16436458; plus strand). Cytogenetic location: 9p22.3.
Variant type: single nucleotide variant.
Coding change: c.2124C>T on transcript NM_017637.6 (MANE Select); coding-DNA position 2124, C replaced by T.
Protein change: p.Ala708=; no amino-acid change (alanine 708 retained).
Molecular consequence: synonymous variant.
Genome position (GRCh38, 1-based): chr9:16,436,070, G>A on the plus strand (C>T on the coding strand, the complement: BNC2 is on the minus strand). VCF-style: chr9-16436070-G-A. GRCh37 (hg19) VCF-style: chr9-16436068-G-A.
Other names: c.1998C>T, p.Ala666= (NM_001317939.2); c.1839C>T, p.Ala613= (NM_001317940.2).
Identifiers: ClinVar variation 2056029 (VCV002056029.6), dbSNP rs145645768, ClinGen allele CA4995955.